The following is an entry in ClinVar:

ClinVar aggregate classification (germline): Likely benign (1 of 4 stars; one submission).

Conditions:
BBS1-related disorder. Also called: BBS1-related condition.

gnomAD v4.1: 1 of 1,614,232 alleles (0.000062%); highest among the groups gnomAD compares: Non-Finnish European, 0.000085%; no homozygotes.

Submission:

PreventionGenetics, part of Exact Sciences
Classification: Likely benign for BBS1-related condition. Last evaluated: 2025-07-21. Review status: criteria provided, single submitter. Criteria: ACMG Guidelines, 2015. Collection method: clinical testing. Allele origin: germline.
Comment: This variant is classified as likely benign based on ACMG/AMP sequence variant interpretation guidelines (Richards et al. 2015 PMID: 25741868, with internal and published modifications).

NM_024649.5(BBS1):c.1314A>G (p.Thr438=)

Genes: BBS1 (Bardet-Biedl syndrome 1; plus strand), ZDHHC24 (zDHHC palmitoyltransferase 24; minus strand). Cytogenetic location: 11q13.2.
Variant type: single nucleotide variant.
Coding change: c.1314A>G on transcript NM_024649.5 (MANE Select); coding-DNA position 1314, A replaced by G.
Protein change: p.Thr438=; no amino-acid change (threonine 438 retained).
Molecular consequence: synonymous variant. On other transcripts: intron variant (1).
Genome position (GRCh38, 1-based): chr11:66,526,782, A>G. VCF-style: chr11-66526782-A-G. GRCh37 (hg19) VCF-style: chr11-66294253-A-G.
Other names: c.*21+154T>C (NM_001348571.2).
Identifiers: ClinVar variation 5002132 (VCV005002132.1).